The following is an entry in ClinVar:

NM_004415.4(DSP):c.65C>G (p.Ser22Cys)

Genes: DSP (desmoplakin; plus strand), DSP-AS1 (DSP antisense RNA 1; minus strand). Cytogenetic location: 6p24.3.
Variant type: single nucleotide variant.
Coding change: c.65C>G on transcript NM_004415.4 (MANE Select); coding-DNA position 65, C replaced by G.
Protein change: p.Ser22Cys; replaces serine 22 with cysteine.
Molecular consequence: missense variant.
Genome position (GRCh38, 1-based): chr6:7,541,980, C>G. VCF-style: chr6-7541980-C-G. GRCh37 (hg19) VCF-style: chr6-7542213-C-G.
Other names: c.65C>G, p.Ser22Cys (NM_001008844.3, NM_001319034.2, NM_001406591.1); short protein forms S22C.
Identifiers: ClinVar variation 2130501 (VCV002130501.26), dbSNP rs2533800831, ClinGen allele CA362675653.
Genomic context (GRCh38, chr6:7,541,980, plus strand): 5'-GCTGCAACGGAGGCTCCCACCCGCGGATCAACACTCTGGGCCGCATGATCCGCGCCGAGT[C>G]TGGCCCGGACCTGCGCTACGAGGTGACCAGCGGCGGCGGGGGCACCAGCAGGATGTACTA-3'
Protein context (NP_004406.2, residues 12-32): NTLGRMIRAE[Ser22Cys]GPDLRYEVTS

ClinVar aggregate classification (germline): Uncertain significance. Review status: criteria provided, single submitter (1 of 4 stars). 2 submissions from 2 submitters: Uncertain significance (1). 1 of the submissions does not count toward it. Last evaluated 2025-12-18.

Conditions:
Arrhythmogenic right ventricular dysplasia 8 (ARVD8). Also called: ARRHYTHMOGENIC RIGHT VENTRICULAR DYSPLASIA, FAMILIAL, 8; ARRHYTHMOGENIC RIGHT VENTRICULAR CARDIOMYOPATHY 8; Arrhythmogenic Right Ventricular Dysplasia/Cardiomyopathy 8. Identifiers: MedGen C1843896, MONDO:0011831, OMIM 607450.
Arrhythmogenic cardiomyopathy with wooly hair and keratoderma. Also called: PALMOPLANTAR KERATODERMA WITH LEFT VENTRICULAR CARDIOMYOPATHY AND WOOLLY HAIR; Carvajal syndrome; Dilated cardiomyopathy with woolly hair and keratoderma; Arrhythmogenic cardiomyopathy with woolly hair and keratoderma. Identifiers: Orphanet 65282, MedGen C1854063, MONDO:0011581, OMIM 605676.
Arrhythmogenic right ventricular cardiomyopathy (ARVD). Also called: Cardiomyopathy, ARVC; Arrhythmogenic cardiomyopathy; Arrhythmogenic Right Ventricular Cardiomyopathy (ARVC); Arrhythmogenic right ventricular dysplasia. Identifiers: Orphanet 247, MedGen C0349788, MeSH D019571, MONDO:0016587. Disease mechanism: loss of function. Inheritance: Various modes of inheritance.

Allele frequency attached by ClinVar (database versions not stated): gnomAD exomes below 0.00001.
gnomAD v4.1: 2 of 1,604,492 alleles (0.00012%); highest among the groups gnomAD compares: South Asian, 0.0022%; no homozygotes.

Submissions (2):

Labcorp Genetics (formerly Invitae), Labcorp
Classification: Uncertain significance for Arrhythmogenic cardiomyopathy with wooly hair and keratoderma; Arrhythmogenic right ventricular dysplasia 8. Last evaluated: 2025-12-18. Review status: criteria provided, single submitter. Criteria: Invitae Variant Classification Sherloc (09022015). Collection method: clinical testing. Allele origin: germline.
Comment: This sequence change replaces serine, which is neutral and polar, with cysteine, which is neutral and slightly polar, at codon 22 of the DSP protein (p.Ser22Cys). This variant is not present in population databases (gnomAD no frequency). This missense change has been observed in individual(s) with DSP-related conditions (PMID: 38551768). ClinVar contains an entry for this variant (Variation ID: 2130501). An algorithm developed to predict the effect of missense changes on protein structure and function (PolyPhen-2) suggests that this variant is likely to be disruptive. In summary, the available evidence is currently insufficient to determine the role of this variant in disease. Therefore, it has been classified as a Variant of Uncertain Significance.

Genotypic Technology Pvt Ltd
Classification: Uncertain significance for Arrhythmogenic right ventricular cardiomyopathy. Last evaluated: 2022-11-08. Review status: no assertion criteria provided. Collection method: clinical testing. Allele origin: germline. Inheritance: Autosomal dominant inheritance. Affected: yes. Not counted in ClinVar's aggregate classification.
Comment: A single nucleotide variant in gene Desmoplakin (DSP) at cDNA position NM_004415.2:c.65C>G leads to change in the 22nd amino acid of the protein from Serine to Cysteine. Protein effect predictor tools SIFT, Polyphen 2 and Mutation taster have predicted this variant as deleterious, probably damaging and disease causing. Variants in the N terminus of this protein are shown to hamper the localization of the protein. A variant has been reported in this position in ClinVar (VCV001475044.3) has a modification from Ser to pro and is classified as unknown significance. In the absence of segregation analysis and functional study this variant has been classified as unknown significance as per ACMG guidelines in our study

Literature cited by the submitters: PubMed 38551768 (cited by Labcorp Genetics (formerly Invitae), Labcorp).